The following is an entry in ClinVar:

NM_001379110.1(SLC9A6):c.971C>T (p.Ala324Val)

Gene: SLC9A6 (solute carrier family 9 member A6; plus strand). Cytogenetic location: Xq26.3.
Variant type: single nucleotide variant.
Coding change: c.971C>T on transcript NM_001379110.1 (MANE Select); coding-DNA position 971, C replaced by T.
Protein change: p.Ala324Val; replaces alanine 324 with valine.
Molecular consequence: missense variant.
Genome position (GRCh38, 1-based): chrX:136,013,034, C>T. VCF-style: chrX-136013034-C-T. GRCh37 (hg19) VCF-style: chrX-135095193-C-T.
Other names: c.1127C>T, p.Ala376Val (NM_001042537.2); c.971C>T, p.Ala324Val (NM_001177651.2); c.875C>T, p.Ala292Val (NM_001330652.2); c.1031C>T, p.Ala344Val (NM_006359.3); short protein forms A344V, A324V, A376V, A292V.
Identifiers: ClinVar variation 950702 (VCV000950702.10), dbSNP rs2070952678, ClinGen allele CA414751806.

ClinVar aggregate classification (germline): Uncertain significance (1 of 4 stars; one submission).

Conditions:
Christianson syndrome (MRXSCH). Also called: INTELLECTUAL DEVELOPMENTAL DISORDER, X-LINKED, SYNDROMIC, CHRISTIANSON TYPE; X-linked mental retardation, syndromic, Christianson type; SLC9A6-Related Syndromic Mental Retardation. Identifiers: Orphanet 85278, MedGen C2678194, MONDO:0010278, OMIM 300243.

Submission:

Labcorp Genetics (formerly Invitae), Labcorp
Classification: Uncertain significance for Christianson syndrome. Last evaluated: 2019-07-01. Review status: criteria provided, single submitter. Criteria: Invitae Variant Classification Sherloc (09022015). Collection method: clinical testing. Allele origin: germline.
Comment: In summary, the available evidence is currently insufficient to determine the role of this variant in disease. Therefore, it has been classified as a Variant of Uncertain Significance. Algorithms developed to predict the effect of missense changes on protein structure and function are either unavailable or do not agree on the potential impact of this missense change (SIFT: "Deleterious"; PolyPhen-2: "Probably Damaging"; Align-GVGD: "Class C0"). This variant has not been reported in the literature in individuals with SLC9A6-related conditions. This variant is not present in population databases (ExAC no frequency). This sequence change replaces alanine with valine at codon 344 of the SLC9A6 protein (p.Ala344Val). The alanine residue is highly conserved and there is a small physicochemical difference between alanine and valine.